The following is an entry in ClinVar:

ClinVar aggregate classification (germline): Uncertain significance (1 of 4 stars; one submission).

Conditions:
Early-onset Lafora body disease. Also called: Epilepsy, progressive myoclonic, 10. Identifiers: Orphanet 324290, MedGen C4225258, MONDO:0014717, OMIM 616640.

Submission:

Labcorp Genetics (formerly Invitae), Labcorp
Classification: Uncertain significance for Early-onset Lafora body disease. Last evaluated: 2022-10-18. Review status: criteria provided, single submitter. Criteria: Invitae Variant Classification Sherloc (09022015). Collection method: clinical testing. Allele origin: germline.
Comment: In summary, the available evidence is currently insufficient to determine the role of this variant in disease. Therefore, it has been classified as a Variant of Uncertain Significance. Advanced modeling of protein sequence and biophysical properties (such as structural, functional, and spatial information, amino acid conservation, physicochemical variation, residue mobility, and thermodynamic stability) has been performed at Invitae for this missense variant, however the output from this modeling did not meet the statistical confidence thresholds required to predict the impact of this variant on PRDM8 protein function. ClinVar contains an entry for this variant (Variation ID: 1023688). This variant has not been reported in the literature in individuals affected with PRDM8-related conditions. This variant is not present in population databases (gnomAD no frequency). This sequence change replaces proline, which is neutral and non-polar, with leucine, which is neutral and non-polar, at codon 656 of the PRDM8 protein (p.Pro656Leu).

NM_001099403.2(PRDM8):c.1967C>T (p.Pro656Leu)

Gene: PRDM8 (PR/SET domain 8; plus strand). Cytogenetic location: 4q21.21.
Variant type: single nucleotide variant.
Coding change: c.1967C>T on transcript NM_001099403.2 (MANE Select); coding-DNA position 1967, C replaced by T.
Protein change: p.Pro656Leu; replaces proline 656 with leucine.
Molecular consequence: missense variant.
Genome position (GRCh38, 1-based): chr4:80,203,429, C>T. VCF-style: chr4-80203429-C-T. GRCh37 (hg19) VCF-style: chr4-81124583-C-T.
Other names: c.1967C>T, p.Pro656Leu (NM_020226.4); short protein forms P656L.
Identifiers: ClinVar variation 1023688 (VCV001023688.8), dbSNP rs780244125, ClinGen allele CA100002112.